The following is an entry in ClinVar:

ClinVar aggregate classification (germline): Likely pathogenic (1 of 4 stars; one submission).

Conditions:
Autosomal recessive limb-girdle muscular dystrophy type 2J (LGMDR10). Also called: Limb-girdle muscular dystrophy, type 2J; MUSCULAR DYSTROPHY, LIMB-GIRDLE, AUTOSOMAL RECESSIVE 10. Identifiers: Orphanet 140922, MedGen C1837342, MONDO:0012127, OMIM 608807.
Dilated cardiomyopathy 1G (CMD1G). Identifiers: Orphanet 154, MedGen C1858763, MONDO:0011400, OMIM 604145.

Submission:

Labcorp Genetics (formerly Invitae), Labcorp
Classification: Likely pathogenic for Dilated cardiomyopathy 1G; Autosomal recessive limb-girdle muscular dystrophy type 2J. Last evaluated: 2024-10-18. Review status: criteria provided, single submitter. Criteria: Invitae Variant Classification Sherloc (09022015). Collection method: clinical testing. Allele origin: germline.
Comment: This sequence change affects an acceptor splice site in intron 36 of the TTN gene. It is expected to disrupt RNA splicing and likely results in a truncated or disrupted TTN protein. This variant is not present in population databases (gnomAD no frequency). This variant has not been reported in the literature in individuals affected with TTN-related conditions. Algorithms developed to predict the effect of sequence changes on RNA splicing suggest that this variant may disrupt the consensus splice site. This variant is located in the I band of TTN (PMID: 25589632). Truncating variants in this region have been reported in individuals affected with autosomal recessive centronuclear myopathy (PMID: 23975875, internal data). Truncating variants in this region have also been identified in individuals affected with autosomal dominant dilated cardiomyopathy and/or cardio-related conditions (PMID: 27869827, 32964742, internal data). In summary, the currently available evidence indicates that the variant is pathogenic, but additional data are needed to prove that conclusively. Therefore, this variant has been classified as Likely Pathogenic.

Literature cited by the submitters: PubMed 25589632; PubMed 23975875; PubMed 27869827; PubMed 32964742.

NM_001267550.2(TTN):c.8642-2A>G

Gene: TTN (titin; minus strand). Cytogenetic location: 2q31.2.
Variant type: single nucleotide variant.
Coding change: c.8642-2A>G on transcript NM_001267550.2 (MANE Select); the canonical splice acceptor site of the intron before coding-DNA position 8642, A replaced by G.
Molecular consequence: splice acceptor variant.
Genome position (GRCh38, 1-based): chr2:178,769,941, T>C on the plus strand (A>G on the coding strand, the complement: TTN is on the minus strand). VCF-style: chr2-178769941-T-C. GRCh37 (hg19) VCF-style: chr2-179634668-T-C.
Other names: c.8504-2A>G (NM_003319.4, NM_133437.4, NM_133432.3); c.8642-2A>G (NM_133378.4, NM_001256850.1, NM_133379.5).
Identifiers: ClinVar variation 3752400 (VCV003752400.2).
Genomic context (GRCh38, chr2:178,769,941, plus strand): 5'-AGAGGCAGTTTTGGTCTCAGGCACCTCGATATTTTTCATGGTTTTTGTAATATGTAATGC[T>C]TGGTAAAATCAAAGAGCACTTCAGTTAATACAATTTGTTTAAAAAGTAGATGAAACCAAA-3'